The following is an entry in ClinVar:

ClinVar aggregate classification (germline): Uncertain significance (1 of 4 stars; one submission).

Submission:

GeneDx
Classification: Uncertain significance. Last evaluated: 2026-09-29. Review status: criteria provided, single submitter. Criteria: GeneDx Variant Classification Process June 2021. Collection method: clinical testing. Allele origin: germline.
Comment: Not observed at significant frequency in large population cohorts (gnomAD); In silico analysis suggests that this missense variant does not alter protein structure/function; Has not been previously published as pathogenic or benign to our knowledge

NM_021120.4(DLG3):c.661C>T (p.Pro221Ser)

Gene: DLG3 (discs large MAGUK scaffold protein 3; plus strand). Cytogenetic location: Xq13.1.
Variant type: single nucleotide variant.
Coding change: c.661C>T on transcript NM_021120.4 (MANE Select); coding-DNA position 661, C replaced by T.
Protein change: p.Pro221Ser; replaces proline 221 with serine.
Molecular consequence: missense variant.
Genome position (GRCh38, 1-based): chrX:70,449,817, C>T. VCF-style: chrX-70449817-C-T. GRCh37 (hg19) VCF-style: chrX-69669667-C-T.
Other names: short protein forms P221S.
Identifiers: ClinVar variation 4082930 (VCV004082930.2).